The following is an entry in ClinVar:

NM_001165963.4(SCN1A):c.4693C>T (p.Gln1565Ter)

Genes: SCN1A (sodium voltage-gated channel alpha subunit 1; minus strand), LOC102724058 (uncharacterized LOC102724058; plus strand). Cytogenetic location: 2q24.3.
Variant type: single nucleotide variant.
Coding change: c.4693C>T on transcript NM_001165963.4 (MANE Select); coding-DNA position 4693, C replaced by T.
Protein change: p.Gln1565Ter; replaces glutamine 1565 with a stop codon.
Molecular consequence: nonsense. On other transcripts: non-coding transcript variant (1).
Genome position (GRCh38, 1-based): chr2:165,994,305, G>A on the plus strand (C>T on the coding strand, the complement: SCN1A is on the minus strand). VCF-style: chr2-165994305-G-A. GRCh37 (hg19) VCF-style: chr2-166850815-G-A.
Other names: c.4609C>T, p.Gln1537Ter (NM_001165964.3, NM_001353957.2, NM_001353958.2); c.4693C>T, p.Gln1565Ter (NM_001202435.3, NM_001353948.2); c.4660C>T, p.Gln1554Ter (NM_001353949.2, NM_001353950.2, NM_001353951.2 and 2 more transcripts); c.4657C>T, p.Gln1553Ter (NM_001353954.2, NM_001353955.2); c.4606C>T, p.Gln1536Ter (NM_001353960.2); c.2251C>T, p.Gln751Ter (NM_001353961.2); short protein forms Q1565*, Q751*, Q1553*, Q1554*, Q1536*, Q1537*.
Identifiers: ClinVar variation 836575 (VCV000836575.10), dbSNP rs1386425283, ClinGen allele CA349072018.

ClinVar aggregate classification (germline): Pathogenic (1 of 4 stars; one submission).

Conditions:
Early-infantile DEE. Also called: Ohtahara syndrome; Early infantile epileptic encephalopathy with suppression bursts; Early infantile epileptic encephalopathy. Identifiers: Orphanet 1934, MedGen C0393706, MONDO:0800491.

Submission:

Labcorp Genetics (formerly Invitae), Labcorp
Classification: Pathogenic for Early-infantile DEE. Last evaluated: 2022-02-03. Review status: criteria provided, single submitter. Criteria: Invitae Variant Classification Sherloc (09022015). Collection method: clinical testing. Allele origin: germline.
Comment: For these reasons, this variant has been classified as Pathogenic. ClinVar contains an entry for this variant (Variation ID: 836575). This premature translational stop signal has been observed in individual(s) with SCN1A-related conditions (PMID: 29655203, 31864146). This variant is not present in population databases (gnomAD no frequency). This sequence change creates a premature translational stop signal (p.Gln1565*) in the SCN1A gene. It is expected to result in an absent or disrupted protein product. Loss-of-function variants in SCN1A are known to be pathogenic (PMID: 17347258, 18930999).

Literature cited by the submitters: PubMed 29655203; PubMed 31864146; PubMed 17347258; PubMed 18930999.